The following is an entry in ClinVar:

ClinVar aggregate classification (germline): Uncertain significance (1 of 4 stars; one submission).

Conditions:
Cone-rod dystrophy 2 (CORD2). Also called: CONE-ROD RETINAL DYSTROPHY; Cone-rod retinal dystrophy 2. Identifiers: Orphanet 1872, MedGen C3489532, MONDO:0007362, OMIM 120970.
Leber congenital amaurosis 7 (LCA7). Identifiers: Orphanet 65, MedGen C3151192, MONDO:0013449, OMIM 613829.

Submission:

Labcorp Genetics (formerly Invitae), Labcorp
Classification: Uncertain significance for Cone-rod dystrophy 2; Leber congenital amaurosis 7. Last evaluated: 2024-05-15. Review status: criteria provided, single submitter. Criteria: Invitae Variant Classification Sherloc (09022015). Collection method: clinical testing. Allele origin: germline.
Comment: This sequence change replaces glutamine, which is neutral and polar, with arginine, which is basic and polar, at codon 84 of the CRX protein (p.Gln84Arg). This variant is not present in population databases (gnomAD no frequency). This variant has not been reported in the literature in individuals affected with CRX-related conditions. An algorithm developed to predict the effect of missense changes on protein structure and function (PolyPhen-2) suggests that this variant is likely to be disruptive. Algorithms developed to predict the effect of sequence changes on RNA splicing suggest that this variant may disrupt the consensus splice site. In summary, the available evidence is currently insufficient to determine the role of this variant in disease. Therefore, it has been classified as a Variant of Uncertain Significance.

NM_000554.6(CRX):c.251A>G (p.Gln84Arg)

Gene: CRX (cone-rod homeobox; plus strand). Cytogenetic location: 19q13.33.
Variant type: single nucleotide variant.
Coding change: c.251A>G on transcript NM_000554.6 (MANE Select); coding-DNA position 251, A replaced by G.
Protein change: p.Gln84Arg; replaces glutamine 84 with arginine.
Molecular consequence: missense variant.
Genome position (GRCh38, 1-based): chr19:47,836,393, A>G. VCF-style: chr19-47836393-A-G. GRCh37 (hg19) VCF-style: chr19-48339650-A-G.
Other names: short protein forms Q84R.
Identifiers: ClinVar variation 3756372 (VCV003756372.2).